The following is an entry in ClinVar:

NM_001204.7(BMPR2):c.1267C>T (p.Leu423Phe)

Gene: BMPR2 (bone morphogenetic protein receptor type 2; plus strand). Cytogenetic location: 2q33.2.
Variant type: single nucleotide variant.
Coding change: c.1267C>T on transcript NM_001204.7 (MANE Select); coding-DNA position 1267, C replaced by T.
Protein change: p.Leu423Phe; replaces leucine 423 with phenylalanine.
Molecular consequence: missense variant.
Genome position (GRCh38, 1-based): chr2:202,532,723, C>T. VCF-style: chr2-202532723-C-T. GRCh37 (hg19) VCF-style: chr2-203397446-C-T.
Other names: short protein forms L423F.
Identifiers: ClinVar variation 3824843 (VCV003824843.1).

ClinVar aggregate classification (germline): Uncertain significance (1 of 4 stars; one submission).

Conditions:
Inborn genetic diseases. Identifiers: MedGen C0950123, MeSH D030342.

gnomAD v4.1: 3 of 1,612,684 alleles (0.00019%); highest among the groups gnomAD compares: Non-Finnish European, 0.00017%; no homozygotes.

Submission:

Ambry Genetics
Classification: Uncertain significance for Inborn genetic diseases. Last evaluated: 2025-01-16. Review status: criteria provided, single submitter. Criteria: Ambry Variant Classification Scheme 2023. Collection method: clinical testing. Allele origin: germline.
Comment: The p.L423F variant (also known as c.1267C>T), located in coding exon 9 of the BMPR2 gene, results from a C to T substitution at nucleotide position 1267. The leucine at codon 423 is replaced by phenylalanine, an amino acid with highly similar properties. This amino acid position is conserved. In addition, this alteration is predicted to be deleterious by in silico analysis. Based on the available evidence, the clinical significance of this variant remains unclear.